The following is an entry in ClinVar:

NM_033004.4(NLRP1):c.1265C>T (p.Pro422Leu)

Gene: NLRP1 (NLR family pyrin domain containing 1; minus strand). Cytogenetic location: 17p13.2.
Variant type: single nucleotide variant.
Coding change: c.1265C>T on transcript NM_033004.4 (MANE Select); coding-DNA position 1265, C replaced by T.
Protein change: p.Pro422Leu; replaces proline 422 with leucine.
Molecular consequence: missense variant.
Genome position (GRCh38, 1-based): chr17:5,559,431, G>A on the plus strand (C>T on the coding strand, the complement: NLRP1 is on the minus strand). VCF-style: chr17-5559431-G-A. GRCh37 (hg19) VCF-style: chr17-5462751-G-A.
Other names: c.1265C>T, p.Pro422Leu (NM_001033053.3, NM_014922.5, NM_033006.4 and 1 more transcripts); short protein forms P422L.
Identifiers: ClinVar variation 1937886 (VCV001937886.5), dbSNP rs144297582, ClinGen allele CA287268535.

ClinVar aggregate classification (germline): Uncertain significance (1 of 4 stars; one submission).

Allele frequency attached by ClinVar (database versions not stated): gnomAD exomes below 0.00001.
gnomAD v4.1: 3 of 1,613,430 alleles (0.00019%); highest among the groups gnomAD compares: Admixed American, 0.0017%; no homozygotes.

Submission:

Labcorp Genetics (formerly Invitae), Labcorp
Classification: Uncertain significance. Last evaluated: 2022-07-19. Review status: criteria provided, single submitter. Criteria: Invitae Variant Classification Sherloc (09022015). Collection method: clinical testing. Allele origin: germline.
Comment: This sequence change replaces proline, which is neutral and non-polar, with leucine, which is neutral and non-polar, at codon 422 of the NLRP1 protein (p.Pro422Leu). This variant is not present in population databases (gnomAD no frequency). This variant has not been reported in the literature in individuals affected with NLRP1-related conditions. Algorithms developed to predict the effect of missense changes on protein structure and function (SIFT, PolyPhen-2, Align-GVGD) all suggest that this variant is likely to be tolerated. In summary, the available evidence is currently insufficient to determine the role of this variant in disease. Therefore, it has been classified as a Variant of Uncertain Significance.